The following is an entry in ClinVar:

NM_000484.4(APP):c.*329AT[1]

Gene: APP (amyloid beta precursor protein; minus strand). Cytogenetic location: 21q21.3.
Variant type: Microsatellite.
Coding change: c.*329AT[1] on transcript NM_000484.4 (MANE Select); one copy of the 2-base unit AT starting at c.*329; the reference has two copies in a row; one copy, 2 bases deleted.
Molecular consequence: 3 prime UTR variant.
Genome position (GRCh38, 1-based): chr21:25,881,338-25,881,339, AT deleted on the plus strand (AT on the coding strand, the reverse complement: APP is on the minus strand); deleting any 2 consecutive bases within chr21:25,881,338-25,881,342 gives the same sequence; the position shown is the placement nearest the transcript's 3' end. VCF-style (leftmost placement, unchanged base first): chr21-25881337-AAT-A. GRCh37 (hg19) VCF-style: chr21-27253648-AAT-A.
Other names: c.*329AT[1] (NM_001136016.3, NM_001136129.3, NM_001136130.3 and 7 more transcripts).
Identifiers: ClinVar variation 3358583 (VCV003358583.1).
Genomic context (GRCh38, chr21:25,881,337, plus strand): 5'-CCCATCGATTCTTAAAGCATATGTAAAGTAGGACTTAATTGGGTCACAAACCACAAGAAT[AAT>A]ATACAACTGGCTAAGGGGCTATGTGATAAATAATCAGGAGAGAATCTATTCATGCACTAG-3'

ClinVar aggregate classification (germline): Uncertain significance (0 of 4 stars; one submission).

Conditions:
APP-related disorder. Also called: APP-related condition.

Submission:

PreventionGenetics, part of Exact Sciences
Classification: Uncertain significance for APP-related condition. Last evaluated: 2024-03-17. Review status: no assertion criteria provided. Collection method: clinical testing. Allele origin: germline.
Comment: The APP c.*331_*332delAT variant is located in the 3' untranslated region. This variant has been reported in an individual with cerebral amyloid angiopathy (Nicolas et al. 2016. PubMed ID: 25828868). In vitro functional studies using patient mRNA in HeLa cells consistently demonstrated a significant increase in APP expression (Table 3 and Figure 2, Nicolas et al. 2016. PubMed ID: 25828868). This variant has not been reported in a large population database, indicating this variant is rare; however, the quality of this data is questionable and should be interpreted with caution. Although we suspect that this variant may be pathogenic, at this time, the clinical significance of this variant is uncertain due to the absence of conclusive functional and genetic evidence.